The following is an entry in ClinVar:

ClinVar aggregate classification (germline): Uncertain significance. Review status: criteria provided, multiple submitters, no conflicts (2 of 4 stars). 4 submissions from 4 submitters: Uncertain significance (4). Last evaluated 2026-01-12.

Conditions:
Inborn genetic diseases. Identifiers: MedGen C0950123, MeSH D030342.
Developmental and epileptic encephalopathy, 23 (DEE23). Also called: Epileptic encephalopathy, early infantile, 23. Identifiers: Orphanet 411986, MedGen C4014492, MONDO:0014371, OMIM 615859.

Allele frequency attached by ClinVar (database versions not stated): gnomAD 0.00009; gnomAD exomes 0.00006 and 0.00007; ExAC 0.00007; TOPMed 0.00007; ESP Exome Variant Server 0.00008.
gnomAD v4.1: 109 of 1,613,970 alleles (0.0068%); highest among the groups gnomAD compares: South Asian, 0.0055%; 1 homozygote.

Submissions (4):

Labcorp Genetics (formerly Invitae), Labcorp
Classification: Uncertain significance for Developmental and epileptic encephalopathy, 23. Last evaluated: 2026-01-12. Review status: criteria provided, single submitter. Criteria: Invitae Variant Classification Sherloc (09022015). Collection method: clinical testing. Allele origin: germline.
Comment: This sequence change replaces arginine, which is basic and polar, with glutamine, which is neutral and polar, at codon 1358 of the DOCK7 protein (p.Arg1358Gln). This variant is present in population databases (rs150781290, gnomAD 0.08%). This variant has not been reported in the literature in individuals affected with DOCK7-related conditions. ClinVar contains an entry for this variant (Variation ID: 576166). Invitae Evidence Modeling of protein sequence and biophysical properties (such as structural, functional, and spatial information, amino acid conservation, physicochemical variation, residue mobility, and thermodynamic stability) indicates that this missense variant is not expected to disrupt DOCK7 protein function with a negative predictive value of 80%. In summary, the available evidence is currently insufficient to determine the role of this variant in disease. Therefore, it has been classified as a Variant of Uncertain Significance.

Ambry Genetics
Classification: Uncertain significance for Inborn genetic diseases. Last evaluated: 2025-08-10. Review status: criteria provided, single submitter. Criteria: Ambry Variant Classification Scheme 2023. Collection method: clinical testing. Allele origin: germline.

Blueprint Genetics
Classification: Uncertain significance. Last evaluated: 2024-08-23. Review status: criteria provided, single submitter. Criteria: ACMG Guidelines, 2015. Collection method: clinical testing. Allele origin: germline.

Genome-Nilou Lab
Classification: Uncertain significance for Developmental and epileptic encephalopathy, 23. Last evaluated: 2023-04-11. Review status: criteria provided, single submitter. Criteria: ACMG Guidelines, 2015. Collection method: clinical testing. Allele origin: germline. Affected: no.

NM_001367561.1(DOCK7):c.4073G>A (p.Arg1358Gln)

Gene: DOCK7 (dedicator of cytokinesis 7; minus strand). Cytogenetic location: 1p31.3.
Variant type: single nucleotide variant.
Coding change: c.4073G>A on transcript NM_001367561.1 (MANE Select); coding-DNA position 4073, G replaced by A.
Protein change: p.Arg1358Gln; replaces arginine 1358 with glutamine.
Molecular consequence: missense variant.
Genome position (GRCh38, 1-based): chr1:62,513,762, C>T on the plus strand (G>A on the coding strand, the complement: DOCK7 is on the minus strand). VCF-style: chr1-62513762-C-T. GRCh37 (hg19) VCF-style: chr1-62979433-C-T.
Other names: c.3980G>A (NM_033407.2); c.4073G>A, p.Arg1358Gln (NM_001271999.2, NM_001330614.2); c.3980G>A, p.Arg1327Gln (NM_001272000.2, NM_001272001.2, NM_033407.4); short protein forms R1358Q, R1327Q.
Identifiers: ClinVar variation 576166 (VCV000576166.13), dbSNP rs150781290, ClinGen allele CA885811.